The following is an entry in ClinVar:

ClinVar aggregate classification (germline): Uncertain significance (1 of 4 stars; one submission).

Conditions:
Gastrointestinal stromal tumor. Also called: Gastrointestinal stromal tumor, somatic; Gastrointestinal stroma tumor. Identifiers: Orphanet 44890, MedGen C0238198, MeSH D046152, MONDO:0011719, OMIM 606764, HP:0100723.

Submission:

Labcorp Genetics (formerly Invitae), Labcorp
Classification: Uncertain significance for Gastrointestinal stromal tumor. Last evaluated: 2024-07-02. Review status: criteria provided, single submitter. Criteria: Invitae Variant Classification Sherloc (09022015). Collection method: clinical testing. Allele origin: germline.
Comment: This sequence change replaces tyrosine, which is neutral and polar, with cysteine, which is neutral and slightly polar, at codon 881 of the PDGFRA protein (p.Tyr881Cys). This variant is not present in population databases (gnomAD no frequency). This variant has not been reported in the literature in individuals affected with PDGFRA-related conditions. Advanced modeling of protein sequence and biophysical properties (such as structural, functional, and spatial information, amino acid conservation, physicochemical variation, residue mobility, and thermodynamic stability) performed at Invitae indicates that this missense variant is not expected to disrupt PDGFRA protein function with a negative predictive value of 80%. In summary, the available evidence is currently insufficient to determine the role of this variant in disease. Therefore, it has been classified as a Variant of Uncertain Significance.

NM_006206.6(PDGFRA):c.2642A>G (p.Tyr881Cys)

Gene: PDGFRA (platelet derived growth factor receptor alpha; plus strand). Cytogenetic location: 4q12.
Variant type: single nucleotide variant.
Coding change: c.2642A>G on transcript NM_006206.6 (MANE Select); coding-DNA position 2642, A replaced by G.
Protein change: p.Tyr881Cys; replaces tyrosine 881 with cysteine.
Molecular consequence: missense variant.
Genome position (GRCh38, 1-based): chr4:54,287,509, A>G. VCF-style: chr4-54287509-A-G. GRCh37 (hg19) VCF-style: chr4-55153676-A-G.
Other names: c.2717A>G, p.Tyr906Cys (NM_001347828.2); c.2642A>G, p.Tyr881Cys (NM_001347829.2); c.2681A>G, p.Tyr894Cys (NM_001347830.2); short protein forms Y881C, Y894C, Y906C.
Identifiers: ClinVar variation 3658530 (VCV003658530.2).
Genomic context (GRCh38, chr4:54,287,509, plus strand): 5'-GGATGGCTCCTGAGAGCATCTTTGACAACCTCTACACCACACTGAGTGATGTCTGGTCTT[A>G]TGGCATTCTGCTCTGGGAGATCTTTTCCCTTGGTATGGGCCTGACATTGCTGCTTATTTG-3'
Protein context (NP_006197.1, residues 871-891): LYTTLSDVWS[Tyr881Cys]GILLWEIFSL